The following is an entry in ClinVar:

NM_007294.4(BRCA1):c.4928C>G (p.Thr1643Arg)

Gene: BRCA1 (BRCA1 DNA repair associated; minus strand). Cytogenetic location: 17q21.31.
Variant type: single nucleotide variant.
Coding change: c.4928C>G on transcript NM_007294.4 (MANE Select); coding-DNA position 4928, C replaced by G.
Protein change: p.Thr1643Arg; replaces threonine 1643 with arginine.
Molecular consequence: missense variant. On other transcripts: non-coding transcript variant (1).
Genome position (GRCh38, 1-based): chr17:43,070,986, G>C on the plus strand (C>G on the coding strand, the complement: BRCA1 is on the minus strand). VCF-style: chr17-43070986-G-C. GRCh37 (hg19) VCF-style: chr17-41223003-G-C.
Other names: c.4784C>G, p.Thr1595Arg (NM_001407739.1, NM_001407740.1, NM_001407741.1 and 21 more transcripts); c.4781C>G, p.Thr1594Arg (NM_001407843.1, NM_001407844.1, NM_001407845.1 and 12 more transcripts); c.4721C>G, p.Thr1574Arg (NM_001407875.1, NM_001407874.1); c.4718C>G, p.Thr1573Arg (NM_001407879.1, NM_001407881.1, NM_001407882.1 and 5 more transcripts); c.4715C>G, p.Thr1572Arg (NM_001407907.1, NM_001407908.1, NM_001407909.1 and 12 more transcripts); c.4712C>G, p.Thr1571Arg (NM_001407915.1, NM_001407916.1, NM_001407917.1 and 1 more transcripts); c.4805C>G, p.Thr1602Arg (NM_001407919.1, NM_001407937.1, NM_001407938.1 and 6 more transcripts); c.4661C>G, p.Thr1554Arg (NM_001407930.1, NM_001407931.1, NM_001407932.1 and 4 more transcripts); and 70 more; short protein forms T1596R, T539R, T1664R, T1643R, T1347R, T1515R, T1532R, T1553R.
Identifiers: ClinVar variation 865428 (VCV000865428.3), dbSNP rs2052375394, ClinGen allele CA10591665.
Genomic context (GRCh38, chr17:43,070,986, plus strand): 5'-ACAAATTCTTCTGGGGTCAGGCCAGACACCACCATGGACATTCTTTTGTTGACCCTTTCT[G>C]TTGAAGCTGTCAATTCTGGCTTCTCCCTGCTCACACTTTCTTCCATTGCATTATACCCAG-3'
Protein context (NP_009225.1, residues 1633-1653): SREKPELTAS[Thr1643Arg]ERVNKRMSMV

Conditions:
Breast-ovarian cancer, familial, susceptibility to, 1 (BROVCA1). Also called: BRCA1 Hereditary Breast and Ovarian Cancer; OVARIAN CANCER, SUSCEPTIBILITY TO. Identifiers: Orphanet 145, MedGen C2676676, MONDO:0011450, OMIM 604370. Disease mechanism: loss of function.

Submission:

Brotman Baty Institute, University of Washington
No classification provided (evidence only). Condition: Breast-ovarian cancer, familial 1. Review status: no classification provided. Collection method: in vitro. Allele origin: not applicable. Functional consequence: functionally_normal.
ClinVar note: "not provided" was previously submitted as the classification for the variant. However, the classification appeared to be based only on an observation of functional data so it was converted to no classification on 2025-07-30.